The following is an entry in ClinVar:

NM_001122681.2(SH3BP2):c.240-19_261del

Gene: SH3BP2 (SH3 domain binding protein 2; plus strand). Cytogenetic location: 4p16.3.
Variant type: Deletion.
Coding change: c.240-19_261del on transcript NM_001122681.2 (MANE Select); 19 bases into the intron before coding-DNA position 240 through coding-DNA position 261, 41 bases deleted.
Molecular consequence: splice acceptor variant.
Genome position (GRCh38, 1-based): chr4:2,824,594-2,824,634, 41 bases deleted. GRCh37 (hg19): chr4:2,826,321-2,826,361.
Other names: c.324-19_345del (NM_001145855.2); c.411-19_432del (NM_001145856.2); c.240-19_261del (NM_003023.4).
Identifiers: ClinVar variation 3651183 (VCV003651183.2).
Genomic context (GRCh38, chr4:2,824,593, plus strand): 5'-CGTGTTCACAGGGGGGTGCTGTGGGAAGGCCATCCCTATAGCTGTGAACCAGGCCGTGAC[CCCTGGCGCTGTGCCCCCAGGGTGATGCGGGCGGCTGAGGAG>C]ACCACGTCCAACAACGTTTTCCCCTTCAAGATCATCCATATCAGCAAGAAGCACCGCACG-3'

ClinVar aggregate classification (germline): Uncertain significance (1 of 4 stars; one submission).

Conditions:
Fibrous dysplasia of jaw (CRBM). Also called: Cherubism. Identifiers: Orphanet 184, MedGen C0008029, MONDO:0007315, OMIM 118400.

Submission:

Labcorp Genetics (formerly Invitae), Labcorp
Classification: Uncertain significance for Fibrous dysplasia of jaw. Last evaluated: 2024-04-25. Review status: criteria provided, single submitter. Criteria: Invitae Variant Classification Sherloc (09022015). Collection method: clinical testing. Allele origin: germline.
Comment: This variant results in the deletion of part of exon 4 (c.240-19_261del) of the SH3BP2 gene. It is expected to disrupt RNA splicing. Variants that disrupt the donor or acceptor splice site typically lead to a loss of protein function (PMID: 16199547), however the current clinical and genetic evidence is not sufficient to establish whether loss-of-function variants in SH3BP2 cause disease. This variant is not present in population databases (gnomAD no frequency). This variant has not been reported in the literature in individuals affected with SH3BP2-related conditions. In summary, the available evidence is currently insufficient to determine the role of this variant in disease. Therefore, it has been classified as a Variant of Uncertain Significance.

Literature cited by the submitters: PubMed 16199547.